The following is an entry in ClinVar:

NM_001365536.1(SCN9A):c.5820C>G (p.Asn1940Lys)

Genes: SCN1A-AS1 (SCN1A and SCN9A antisense RNA 1; plus strand), SCN9A (sodium voltage-gated channel alpha subunit 9; minus strand). Cytogenetic location: 2q24.3.
Variant type: single nucleotide variant.
Coding change: c.5820C>G on transcript NM_001365536.1 (MANE Select); coding-DNA position 5820, C replaced by G.
Protein change: p.Asn1940Lys; replaces asparagine 1940 with lysine.
Molecular consequence: missense variant.
Genome position (GRCh38, 1-based): chr2:166,198,819, G>C on the plus strand (C>G on the coding strand, the complement: SCN9A is on the minus strand). VCF-style: chr2-166198819-G-C. GRCh37 (hg19) VCF-style: chr2-167055329-G-C.
Other names: c.5787C>G, p.Asn1929Lys (NM_002977.4); short protein forms N1929K, N1940K.
Identifiers: ClinVar variation 471155 (VCV000471155.11), dbSNP rs371454107, ClinGen allele CA349051423.

ClinVar aggregate classification (germline): Uncertain significance. Review status: criteria provided, multiple submitters, no conflicts (2 of 4 stars). 2 submissions from 2 submitters: Uncertain significance (2). Last evaluated 2024-05-15.

Conditions:
Generalized epilepsy with febrile seizures plus, type 7 (GEFSP7). Also called: GEFS+, TYPE 7. Identifiers: Orphanet 36387, MedGen C2751778, MONDO:0013470, OMIM 613863.
Neuropathy, hereditary sensory and autonomic, type 2A (HSAN2A). Also called: HSAN IIA; WNK1-Related HSAN2 (HSAN2A); ACROOSTEOLYSIS, GIACCAI TYPE; ACROOSTEOLYSIS, NEUROGENIC; MORVAN DISEASE; NEUROPATHY, CONGENITAL SENSORY. Identifiers: Orphanet 970, MedGen C2752089, MONDO:0024309, OMIM 201300.
Primary erythromelalgia. Also called: SCN9A Erythromelalgia (SCN9A-EM); primary erythermalgia. Identifiers: Orphanet 306577, Orphanet 90026, MedGen C0014805, MONDO:0007571, OMIM 133020.
Severe myoclonic epilepsy in infancy (DRVT). Also called: Dravet syndrome; SEVERE MYOCLONIC EPILEPSY OF INFANCY; DEVELOPMENTAL AND EPILEPTIC ENCEPHALOPATHY 6A; Severe Myoclonic Epilepsy in Infancy (SMEI); Epileptic encephalopathy, early infantile, 6 (Dravet syndrome). Identifiers: Orphanet 33069, MedGen C0751122, MONDO:0100135, OMIM 607208.
Paroxysmal extreme pain disorder (PEXPD). Also called: SCN9A Paroxysmal Extreme Pain Disorder (SCN9A-PEPD); RECTAL PAIN, FAMILIAL; PAIN, SUBMANDIBULAR, OCULAR, AND RECTAL, WITH FLUSHING. Identifiers: Orphanet 46348, MedGen C1833661, MONDO:0008179, OMIM 167400.
Channelopathy-associated congenital insensitivity to pain, autosomal recessive. Also called: Insensitivity to pain, channelopathy-associated; ASYMBOLIA FOR PAIN; CONGENITAL ANALGESIA, AUTOSOMAL RECESSIVE. Identifiers: Orphanet 88642, Orphanet 970, MedGen C1855739, MONDO:0009459, OMIM 243000.

Submissions (2):

Labcorp Genetics (formerly Invitae), Labcorp
Classification: Uncertain significance for Neuropathy, hereditary sensory and autonomic, type 2A; Generalized epilepsy with febrile seizures plus, type 7. Last evaluated: 2024-05-15. Review status: criteria provided, single submitter. Criteria: Invitae Variant Classification Sherloc (09022015). Collection method: clinical testing. Allele origin: germline.
Comment: This sequence change replaces asparagine, which is neutral and polar, with lysine, which is basic and polar, at codon 1929 of the SCN9A protein (p.Asn1929Lys). This variant is not present in population databases (gnomAD no frequency). This variant has not been reported in the literature in individuals affected with SCN9A-related conditions. ClinVar contains an entry for this variant (Variation ID: 471155). Advanced modeling of protein sequence and biophysical properties (such as structural, functional, and spatial information, amino acid conservation, physicochemical variation, residue mobility, and thermodynamic stability) has been performed at Invitae for this missense variant, however the output from this modeling did not meet the statistical confidence thresholds required to predict the impact of this variant on SCN9A protein function. In summary, the available evidence is currently insufficient to determine the role of this variant in disease. Therefore, it has been classified as a Variant of Uncertain Significance.

Fulgent Genetics
Classification: Uncertain significance for Primary erythromelalgia; Paroxysmal extreme pain disorder; Neuropathy, hereditary sensory and autonomic, type 2A; Channelopathy-associated congenital insensitivity to pain, autosomal recessive; Severe myoclonic epilepsy in infancy; Generalized epilepsy with febrile seizures plus, type 7. Last evaluated: 2018-10-31. Review status: criteria provided, single submitter. Criteria: ACMG Guidelines, 2015. Collection method: clinical testing. Allele origin: unknown.